The following is an entry in ClinVar:

NM_004618.5(TOP3A):c.113G>C (p.Cys38Ser)

Genes: TOP3A (DNA topoisomerase III alpha; minus strand), LOC130060427 (ATAC-STARR-seq lymphoblastoid active region 11836; plus strand). Cytogenetic location: 17p11.2.
Variant type: single nucleotide variant.
Coding change: c.113G>C on transcript NM_004618.5 (MANE Select); coding-DNA position 113, G replaced by C.
Protein change: p.Cys38Ser; replaces cysteine 38 with serine.
Molecular consequence: missense variant. On other transcripts: 5 prime UTR variant (1).
Genome position (GRCh38, 1-based): chr17:18,314,666, C>G on the plus strand (G>C on the coding strand, the complement: TOP3A is on the minus strand). VCF-style: chr17-18314666-C-G. GRCh37 (hg19) VCF-style: chr17-18217980-C-G.
Other names: c.-99G>C (NM_001320759.2); short protein forms C38S.
Identifiers: ClinVar variation 2044080 (VCV002044080.4), dbSNP rs572186064, ClinGen allele CA398643857.

ClinVar aggregate classification (germline): Uncertain significance (1 of 4 stars; one submission).

Submission:

Labcorp Genetics (formerly Invitae), Labcorp
Classification: Uncertain significance. Last evaluated: 2022-09-01. Review status: criteria provided, single submitter. Criteria: Invitae Variant Classification Sherloc (09022015). Collection method: clinical testing. Allele origin: germline.
Comment: In summary, the available evidence is currently insufficient to determine the role of this variant in disease. Therefore, it has been classified as a Variant of Uncertain Significance. Algorithms developed to predict the effect of missense changes on protein structure and function are either unavailable or do not agree on the potential impact of this missense change (SIFT: "Not Available"; PolyPhen-2: "Benign"; Align-GVGD: "Not Available"). This variant has not been reported in the literature in individuals affected with TOP3A-related conditions. This variant is not present in population databases (gnomAD no frequency). This sequence change replaces cysteine, which is neutral and slightly polar, with serine, which is neutral and polar, at codon 38 of the TOP3A protein (p.Cys38Ser).